The following is an entry in ClinVar:

NM_006393.3(NEBL):c.934A>C (p.Lys312Gln)

Gene: NEBL (nebulette; minus strand). Cytogenetic location: 10p12.31.
Variant type: single nucleotide variant.
Coding change: c.934A>C on transcript NM_006393.3 (MANE Select); coding-DNA position 934, A replaced by C.
Protein change: p.Lys312Gln; replaces lysine 312 with glutamine.
Molecular consequence: missense variant. On other transcripts: intron variant (9).
Genome position (GRCh38, 1-based): chr10:20,852,619, T>G on the plus strand (A>C on the coding strand, the complement: NEBL is on the minus strand). VCF-style: chr10-20852619-T-G. GRCh37 (hg19) VCF-style: chr10-21141548-T-G.
Other names: c.250-39679A>C (NM_001377326.1, NM_001377327.1, NM_001377328.1); c.358-39679A>C (NM_213569.2, NM_001173484.2, NM_001377322.1); c.301-39679A>C (NM_001377324.1); c.292-39679A>C (NM_001377325.1); c.310-39679A>C (NM_001377323.1); short protein forms K312Q.
Identifiers: ClinVar variation 4860804 (VCV004860804.1).

ClinVar aggregate classification (germline): Uncertain significance (1 of 4 stars; one submission).

Submission:

Ambry Genetics
Classification: Uncertain significance. Last evaluated: 2026-06-06. Review status: criteria provided, single submitter. Criteria: Ambry Variant Classification Scheme 2023. Collection method: clinical testing. Allele origin: germline.
Comment: The p.K312Q variant (also known as c.934A>C), located in coding exon 10 of the NEBL gene, results from an A to C substitution at nucleotide position 934. The lysine at codon 312 is replaced by glutamine, an amino acid with similar properties. This amino acid position is conserved. In addition, this alteration is predicted to be tolerated by in silico analysis. Based on the available evidence, the clinical significance of this variant remains unclear.